The following is an entry in ClinVar:

ClinVar aggregate classification (germline): Uncertain significance (1 of 4 stars; one submission).

Submission:

Ambry Genetics
Classification: Uncertain significance. Last evaluated: 2021-12-03. Review status: criteria provided, single submitter. Criteria: Ambry Variant Classification Scheme 2023. Collection method: clinical testing. Allele origin: germline.
Comment: The p.S1927I variant (also known as c.5780G>T), located in coding exon 18 of the POLQ gene, results from a G to T substitution at nucleotide position 5780. The serine at codon 1927 is replaced by isoleucine, an amino acid with dissimilar properties. This amino acid position is conserved. In addition, this alteration is predicted to be tolerated by in silico analysis. Since supporting evidence is limited at this time, the clinical significance of this alteration remains unclear.

NM_199420.4(POLQ):c.5780G>T (p.Ser1927Ile)

Gene: POLQ (DNA polymerase theta; minus strand). Cytogenetic location: 3q13.33.
Variant type: single nucleotide variant.
Coding change: c.5780G>T on transcript NM_199420.4 (MANE Select); coding-DNA position 5780, G replaced by T.
Protein change: p.Ser1927Ile; replaces serine 1927 with isoleucine.
Molecular consequence: missense variant.
Genome position (GRCh38, 1-based): chr3:121,483,576, C>A on the plus strand (G>T on the coding strand, the complement: POLQ is on the minus strand). VCF-style: chr3-121483576-C-A. GRCh37 (hg19) VCF-style: chr3-121202423-C-A.
Other names: short protein forms S1927I.
Identifiers: ClinVar variation 1749611 (VCV001749611.2), dbSNP rs2546781869, ClinGen allele CA354088808.